The following is an entry in ClinVar:

ClinVar aggregate classification (germline): Pathogenic (1 of 4 stars; one submission).

Conditions:
Wilson disease (WND). Also called: Wilson's disease. Identifiers: Orphanet 905, MedGen C0019202, MONDO:0010200, OMIM 277900. Disease mechanism: loss of function.

Submission:

Labcorp Genetics (formerly Invitae), Labcorp
Classification: Pathogenic for Wilson disease. Last evaluated: 2022-03-03. Review status: criteria provided, single submitter. Criteria: Invitae Variant Classification Sherloc (09022015). Collection method: clinical testing. Allele origin: germline.
Comment: For these reasons, this variant has been classified as Pathogenic. Experimental studies have shown that this premature translational stop signal affects ATP7B function (PMID: 26004889). Algorithms developed to predict the effect of variants on protein structure and function are not available or were not evaluated for this variant. This premature translational stop signal has been observed in individual(s) with Wilson disease (PMID: 23333878). This variant is not present in population databases (gnomAD no frequency). This sequence change creates a premature translational stop signal (p.Arg1038Glyfs*83) in the ATP7B gene. It is expected to result in an absent or disrupted protein product. Loss-of-function variants in ATP7B are known to be pathogenic (PMID: 10441329, 16283883).

Literature cited by the submitters: PubMed 26004889; PubMed 23333878; PubMed 10441329; PubMed 16283883.

NM_000053.4(ATP7B):c.3111del (p.Arg1038fs)

Gene: ATP7B (ATPase copper transporting beta; minus strand). Cytogenetic location: 13q14.3.
Variant type: Deletion.
Coding change: c.3111del on transcript NM_000053.4 (MANE Select); coding-DNA position 3111, one base deleted (C; older notation c.3111delC).
Protein change: p.Arg1038fs; shifts the reading frame from arginine 1038.
Molecular consequence: frameshift variant.
Genome position (GRCh38, 1-based): chr13:51,944,241, G deleted on the plus strand (C on the coding strand, the reverse complement: ATP7B is on the minus strand); the first of 4 consecutive G bases (chr13:51,944,241-51,944,244); deleting any one gives the same sequence. VCF-style (leftmost placement, unchanged base first): chr13-51944240-TG-T. GRCh37 (hg19) VCF-style: chr13-52518376-TG-T.
Other names: c.2490del, p.Arg831fs (NM_001005918.3); c.2778del, p.Arg927fs (NM_001243182.2); c.2877del, p.Arg960fs (NM_001330578.2); c.2859del, p.Arg954fs (NM_001330579.2); c.3108delC, p.Arg1038Glyfs (NM_001406511.1, NM_001406512.1, NM_001406526.1); c.3102delC, p.Arg1036Glyfs (NM_001406513.1); c.3075delC, p.Arg1027Glyfs (NM_001406514.1); c.3054delC, p.Arg1020Glyfs (NM_001406515.1, NM_001406516.1); and 20 more; short protein forms R1038fs, R831fs, R927fs, R954fs, R960fs.
Identifiers: ClinVar variation 2137516 (VCV002137516.4), dbSNP rs2547628568, ClinGen allele CA2580087657.
Genomic context (GRCh38, chr13:51,944,240, plus strand): 5'-CCAGAACCTTCCTGAGGGGCAGTGTGGCCACATCCCCCAGCAGGAGCACCCGCATGACCC[TG>T]GGGACGCCATGGGTAATGGTGCCAGTCTTGTCAAACATCACAGTCTTTATCTGCCAAAAA-3'